The following is an entry in ClinVar:

NM_002615.7(SERPINF1):c.395C>G (p.Pro132Arg)

Gene: SERPINF1 (serpin family F member 1; plus strand). Cytogenetic location: 17p13.3.
Variant type: single nucleotide variant.
Coding change: c.395C>G on transcript NM_002615.7 (MANE Select); coding-DNA position 395, C replaced by G.
Protein change: p.Pro132Arg; replaces proline 132 with arginine.
Molecular consequence: missense variant. On other transcripts: 5 prime UTR variant (1).
Genome position (GRCh38, 1-based): chr17:1,771,140, C>G. VCF-style: chr17-1771140-C-G. GRCh37 (hg19) VCF-style: chr17-1674434-C-G.
Other names: c.395C>G, p.Pro132Arg (NM_001329903.2); c.-167C>G (NM_001329904.2); short protein forms P132R.
Identifiers: ClinVar variation 322004 (VCV000322004.21), dbSNP rs1804145, ClinGen allele CA8274666.

ClinVar aggregate classification (germline): Benign. Review status: criteria provided, multiple submitters, no conflicts (2 of 4 stars). 7 submissions from 7 submitters: Benign (7). Last evaluated 2026-02-04.

Conditions:
Osteogenesis imperfecta (OI). Identifiers: Orphanet 666, MedGen C0029434, MeSH D010013, MONDO:0019019.
Osteogenesis imperfecta type 6. Also called: Osteogenesis imperfecta, type VI. Identifiers: Orphanet 666, MedGen C3279564, MONDO:0013515, OMIM 613982.

Allele frequency attached by ClinVar (database versions not stated): 1000 Genomes Project 30x 0.01015; 1000 Genomes Project 0.01018; gnomAD 0.02056 and 0.02133; gnomAD exomes 0.02121 and 0.02900; ExAC 0.02146; TOPMed 0.02164; ESP Exome Variant Server 0.02307.
gnomAD v4.1: 45,547 of 1,614,046 alleles (2.8%); highest among the groups gnomAD compares: Middle Eastern, 4.7%; 774 homozygotes.

Submissions (7):

Labcorp Genetics (formerly Invitae), Labcorp
Classification: Benign. Last evaluated: 2026-02-04. Review status: criteria provided, single submitter. Criteria: Invitae Variant Classification Sherloc (09022015). Collection method: clinical testing. Allele origin: germline.

ARUP Laboratories, Molecular Genetics and Genomics, ARUP Laboratories
Classification: Benign for Osteogenesis imperfecta type 6. Last evaluated: 2025-07-24. Review status: criteria provided, single submitter. Criteria: ARUP Molecular Germline Variant Investigation Process 2024. Collection method: clinical testing. Allele origin: germline.

Mayo Clinic Laboratories, Mayo Clinic
Classification: Benign. Last evaluated: 2024-01-04. Review status: criteria provided, single submitter. Criteria: ACMG Guidelines, 2015. Collection method: clinical testing. Allele origin: germline. Observed: 4 variant alleles.
Comment: BS1, BS2, BP4

Genome Diagnostics Laboratory, The Hospital for Sick Children
Classification: Benign for Osteogenesis imperfecta. Last evaluated: 2022-05-14. Review status: criteria provided, single submitter. Criteria: ACMG Guidelines, 2015. Collection method: clinical testing. Allele origin: germline.

Illumina Laboratory Services, Illumina
Classification: Benign for Osteogenesis imperfecta type 6. Last evaluated: 2018-01-12. Review status: criteria provided, single submitter. Criteria: ICSL Variant Classification Criteria 13 December 2019. Collection method: clinical testing. Allele origin: germline.
Comment: This variant was observed in the ICSL laboratory as part of a predisposition screen in an ostensibly healthy population. It had not been previously curated by ICSL or reported in the Human Gene Mutation Database (HGMD: prior to June 1st, 2018), and was therefore a candidate for classification through an automated scoring system. Utilizing variant allele frequency, disease prevalence and penetrance estimates, and inheritance mode, an automated score was calculated to assess if this variant is too frequent to cause the disease. Based on the score and internal cut-off values, a variant classified as benign is not then subjected to further curation. The score for this variant resulted in a classification of benign for this disease.

GeneDx
Classification: Benign. Last evaluated: 2017-12-15. Review status: criteria provided, single submitter. Criteria: GeneDx Variant Classification (06012015). Collection method: clinical testing. Allele origin: germline. Affected: yes.
Comment: This variant is considered likely benign or benign based on one or more of the following criteria: it is a conservative change, it occurs at a poorly conserved position in the protein, it is predicted to be benign by multiple in silico algorithms, and/or has population frequency not consistent with disease.

Breakthrough Genomics
Classification: Benign. Review status: criteria provided, single submitter. Criteria: ACMG Guidelines, 2015. Collection method: not provided. Allele origin: germline. Inheritance: Autosomal recessive inheritance. Affected: yes.